The following is an entry in ClinVar:

NM_207346.3(TSEN54):c.1447C>G (p.Pro483Ala)

Gene: TSEN54 (tRNA splicing endonuclease subunit 54; plus strand). Cytogenetic location: 17q25.1.
Variant type: single nucleotide variant.
Coding change: c.1447C>G on transcript NM_207346.3 (MANE Select); coding-DNA position 1447, C replaced by G.
Protein change: p.Pro483Ala; replaces proline 483 with alanine.
Molecular consequence: missense variant.
Genome position (GRCh38, 1-based): chr17:75,524,278, C>G. VCF-style: chr17-75524278-C-G. GRCh37 (hg19) VCF-style: chr17-73520359-C-G.
Other names: p.P483A:CCA>GCA; short protein forms P483A.
Identifiers: ClinVar variation 137759 (VCV000137759.28), dbSNP rs62088470, ClinGen allele CA173717.
Genomic context (GRCh38, chr17:75,524,278, plus strand): 5'-AGTGGGCTATGGCTGGGTCTCACTCTAACCCTTTGTCCCTGCAGATTTGATGAGCCTGTC[C>G]CAGACCTCTGCAGCCTCAAGCGGTTGTCTTACCAGAGTGGGGATGTCCCTCTGATCTTTG-3'
Protein context (NP_997229.2, residues 473-493): MCISGFDEPV[Pro483Ala]DLCSLKRLSY

ClinVar aggregate classification (germline): Benign. Review status: criteria provided, multiple submitters, no conflicts (2 of 4 stars). 13 submissions from 11 submitters: Benign (10). 3 of the submissions do not count toward it. Last evaluated 2026-02-04.

Conditions:
Pontoneocerebellar hypoplasia. Also called: Non-syndromic pontocerebellar hypoplasia; Pontocerebellar hypoplasia. Identifiers: Orphanet 98523, MedGen C1261175, MONDO:0020135.
Pontocerebellar hypoplasia type 5 (PCH5). Also called: Pontocerebellar Hypoplasia Type 5 (PCH5). Identifiers: Orphanet 166068, MedGen C1857762, MONDO:0012438, OMIM 610204.
Pontocerebellar hypoplasia type 2A (PCH2A). Also called: PONTOCEREBELLAR HYPOPLASIA WITH PROGRESSIVE CEREBRAL ATROPHY; VOLENDAM NEURODEGENERATIVE DISEASE. Identifiers: Orphanet 2524, MedGen C1848526, MONDO:0010190, OMIM 277470.
Pontocerebellar hypoplasia type 4 (PCH4). Also called: Pontocerebellar Hypoplasia Type 4 (PCH4). Identifiers: Orphanet 166063, MedGen C1856974, MONDO:0009166, OMIM 225753.

Allele frequency attached by ClinVar (database versions not stated): 1000 Genomes Project 30x 0.03217; 1000 Genomes Project 0.03435; TOPMed 0.04508; ESP Exome Variant Server 0.04698; gnomAD 0.04801 and 0.04897; ExAC 0.05846; gnomAD exomes 0.05902 and 0.06411.

Submissions (13):

Labcorp Genetics (formerly Invitae), Labcorp
Classification: Benign. Last evaluated: 2026-02-04. Review status: criteria provided, single submitter. Criteria: Invitae Variant Classification Sherloc (09022015). Collection method: clinical testing. Allele origin: germline.

Blueprint Genetics
Classification: Benign. Last evaluated: 2024-11-28. Review status: criteria provided, single submitter. Criteria: ACMG Guidelines, 2015. Collection method: clinical testing. Allele origin: germline.

Genome-Nilou Lab
Classification: Benign for Pontocerebellar hypoplasia type 5. Last evaluated: 2021-09-10. Review status: criteria provided, single submitter. Criteria: ACMG Guidelines, 2015. Collection method: clinical testing. Allele origin: germline. Affected: no.

Genome-Nilou Lab
Classification: Benign for Pontocerebellar hypoplasia type 2A. Last evaluated: 2021-09-10. Review status: criteria provided, single submitter. Criteria: ACMG Guidelines, 2015. Collection method: clinical testing. Allele origin: germline. Affected: no.

Genome-Nilou Lab
Classification: Benign for Pontocerebellar hypoplasia type 4. Last evaluated: 2021-09-10. Review status: criteria provided, single submitter. Criteria: ACMG Guidelines, 2015. Collection method: clinical testing. Allele origin: germline. Affected: no.

Illumina Laboratory Services, Illumina
Classification: Benign for Pontoneocerebellar hypoplasia. Last evaluated: 2018-01-13. Review status: criteria provided, single submitter. Criteria: ICSL Variant Classification Criteria 13 December 2019. Collection method: clinical testing. Allele origin: germline.
Comment: This variant was observed in the ICSL laboratory as part of a predisposition screen in an ostensibly healthy population. It had not been previously curated by ICSL or reported in the Human Gene Mutation Database (HGMD: prior to June 1st, 2018), and was therefore a candidate for classification through an automated scoring system. Utilizing variant allele frequency, disease prevalence and penetrance estimates, and inheritance mode, an automated score was calculated to assess if this variant is too frequent to cause the disease. Based on the score and internal cut-off values, a variant classified as benign is not then subjected to further curation. The score for this variant resulted in a classification of benign for this disease.

GeneDx
Classification: Benign. Last evaluated: 2014-02-27. Review status: criteria provided, single submitter. Criteria: GeneDx Variant Classification (06012015). Collection method: clinical testing. Allele origin: germline. Affected: yes.
Comment: This variant is considered likely benign or benign based on one or more of the following criteria: it is a conservative change, it occurs at a poorly conserved position in the protein, it is predicted to be benign by multiple in silico algorithms, and/or has population frequency not consistent with disease.

Genetic Services Laboratory, University of Chicago
Classification: Benign. Last evaluated: 2013-02-08. Review status: criteria provided, single submitter. Criteria: ACMG Guidelines, 2007. Collection method: clinical testing. Allele origin: germline. Inheritance: Autosomal recessive inheritance.

Breakthrough Genomics
Classification: Benign. Review status: criteria provided, single submitter. Criteria: ACMG Guidelines, 2015. Collection method: not provided. Allele origin: germline. Inheritance: Autosomal recessive inheritance. Affected: yes.

PreventionGenetics, part of Exact Sciences
Classification: Benign. Review status: criteria provided, single submitter. Criteria: ACMG Guidelines, 2015. Collection method: clinical testing. Allele origin: germline.

Clinical Genetics DNA and cytogenetics Diagnostics Lab, Erasmus MC, Erasmus Medical Center
Classification: Benign. Review status: no assertion criteria provided. Collection method: clinical testing. Allele origin: germline. Affected: yes. Study: VKGL Data-share Consensus. Not counted in ClinVar's aggregate classification.

Clinical Genetics, Academic Medical Center
Classification: Benign. Review status: no assertion criteria provided. Collection method: clinical testing. Allele origin: germline. Affected: yes. Study: VKGL Data-share Consensus. Not counted in ClinVar's aggregate classification.

Diagnostic Laboratory, Department of Genetics, University Medical Center Groningen
Classification: Benign. Review status: no assertion criteria provided. Collection method: clinical testing. Allele origin: germline. Affected: yes. Study: VKGL Data-share Consensus. Not counted in ClinVar's aggregate classification.